The following is an entry in ClinVar:

NM_000535.7(PMS2):c.2233A>C (p.Ile745Leu)

Gene: PMS2 (PMS1 homolog 2, mismatch repair system component; minus strand). Cytogenetic location: 7p22.1.
Variant type: single nucleotide variant.
Coding change: c.2233A>C on transcript NM_000535.7 (MANE Select); coding-DNA position 2233, A replaced by C.
Protein change: p.Ile745Leu; replaces isoleucine 745 with leucine.
Molecular consequence: missense variant. On other transcripts: non-coding transcript variant (1).
Genome position (GRCh38, 1-based): chr7:5,978,638, T>G on the plus strand (A>C on the coding strand, the complement: PMS2 is on the minus strand). VCF-style: chr7-5978638-T-G. GRCh37 (hg19) VCF-style: chr7-6018269-T-G.
Other names: c.1828A>C, p.Ile610Leu (NM_001322003.2, NM_001322004.2, NM_001322005.2 and 1 more transcripts); c.2077A>C, p.Ile693Leu (NM_001322006.2); c.1915A>C, p.Ile639Leu (NM_001322007.2, NM_001322008.2); c.1672A>C, p.Ile558Leu (NM_001322010.2); c.1300A>C, p.Ile434Leu (NM_001322011.2, NM_001322012.2); c.1660A>C, p.Ile554Leu (NM_001322013.2); c.2233A>C, p.Ile745Leu (NM_001322014.2); c.1924A>C, p.Ile642Leu (NM_001322015.2); short protein forms I745L, I434L, I558L, I610L, I639L, I693L, I642L, I554L.
Identifiers: ClinVar variation 578419 (VCV000578419.8), dbSNP rs1562605133, ClinGen allele CA366736674.

ClinVar aggregate classification (germline): Uncertain significance. Review status: criteria provided, multiple submitters, no conflicts (2 of 4 stars). 2 submissions from 2 submitters: Uncertain significance (2). Last evaluated 2025-03-17.

Conditions:
Hereditary cancer-predisposing syndrome. Also called: Neoplastic Syndromes, Hereditary; Tumor predisposition; Hereditary neoplastic syndrome; Hereditary Cancer Syndrome. Identifiers: Orphanet 140162, MedGen C0027672, MeSH D009386, MONDO:0015356.
Hereditary nonpolyposis colorectal neoplasms. Identifiers: MedGen C0009405, MeSH D003123.

Submissions (2):

Labcorp Genetics (formerly Invitae), Labcorp
Classification: Uncertain significance for Hereditary nonpolyposis colorectal neoplasms. Last evaluated: 2025-03-17. Review status: criteria provided, single submitter. Criteria: Invitae Variant Classification Sherloc (09022015). Collection method: clinical testing. Allele origin: germline.
Comment: This sequence change replaces isoleucine, which is neutral and non-polar, with leucine, which is neutral and non-polar, at codon 745 of the PMS2 protein (p.Ile745Leu). The frequency data for this variant in the population databases (gnomAD) is considered unreliable due to the presence of homologous sequence, such as pseudogenes or paralogs, in the genome. This missense change has been observed in individual(s) with breast cancer (PMID: 35449176). ClinVar contains an entry for this variant (Variation ID: 578419). Invitae Evidence Modeling incorporating data from in vitro experimental studies (internal data) indicates that this missense variant is not expected to disrupt PMS2 function with a negative predictive value of 95%. In summary, the available evidence is currently insufficient to determine the role of this variant in disease. Therefore, it has been classified as a Variant of Uncertain Significance.

Ambry Genetics
Classification: Uncertain significance for Hereditary cancer-predisposing syndrome. Last evaluated: 2023-09-23. Review status: criteria provided, single submitter. Criteria: Ambry Variant Classification Scheme 2023. Collection method: clinical testing. Allele origin: germline.
Comment: The p.I745L variant (also known as c.2233A>C), located in coding exon 13 of the PMS2 gene, results from an A to C substitution at nucleotide position 2233. The isoleucine at codon 745 is replaced by leucine, an amino acid with highly similar properties. This amino acid position is conserved. In addition, this alteration is predicted to be tolerated by in silico analysis. Since supporting evidence is limited at this time, the clinical significance of this alteration remains unclear.

Literature cited by the submitters: PubMed 35449176 (cited by Labcorp Genetics (formerly Invitae), Labcorp).